The following is an entry in ClinVar:

ClinVar aggregate classification (germline): Uncertain significance (1 of 4 stars; one submission).

gnomAD v4.1: 2 of 1,493,790 alleles (0.00013%); highest among the groups gnomAD compares: Non-Finnish European, 0.00018%; no homozygotes.

Submission:

Labcorp Genetics (formerly Invitae), Labcorp
Classification: Uncertain significance. Last evaluated: 2025-07-27. Review status: criteria provided, single submitter. Criteria: Invitae Variant Classification Sherloc (09022015). Collection method: clinical testing. Allele origin: germline.
Comment: This sequence change falls in intron 23 of the FOCAD gene. It does not directly change the encoded amino acid sequence of the FOCAD protein. It affects a nucleotide within the consensus splice site. The frequency data for this variant in the population databases is considered unreliable, as metrics indicate poor data quality at this position in the gnomAD database. This variant has not been reported in the literature in individuals affected with FOCAD-related conditions. Variants that disrupt the consensus splice site are a relatively common cause of aberrant splicing (PMID: 17576681, 9536098). Algorithms developed to predict the effect of sequence changes on RNA splicing suggest that this variant may disrupt the consensus splice site. In summary, the available evidence is currently insufficient to determine the role of this variant in disease. Therefore, it has been classified as a Variant of Uncertain Significance.

Literature cited by the submitters: PubMed 17576681; PubMed 9536098.

NM_001375567.1(FOCAD):c.2625+5G>T

Gene: FOCAD (focadhesin; plus strand). Cytogenetic location: 9p21.3.
Variant type: single nucleotide variant.
Coding change: c.2625+5G>T on transcript NM_001375567.1 (MANE Select); 5 bases into the intron after coding-DNA position 2625, G replaced by T.
Molecular consequence: intron variant.
Genome position (GRCh38, 1-based): chr9:20,885,235, G>T. VCF-style: chr9-20885235-G-T. GRCh37 (hg19) VCF-style: chr9-20885234-G-T.
Other names: c.2625+5G>T (NM_017794.5); c.2520+5G>T (NM_001375568.1, NM_001375570.1).
Identifiers: ClinVar variation 4724028 (VCV004724028.1).